The following is an entry in ClinVar:

NM_001283009.2(RTEL1):c.50C>T (p.Pro17Leu)

Genes: RTEL1 (regulator of telomere elongation helicase 1; plus strand), RTEL1-TNFRSF6B (RTEL1-TNFRSF6B readthrough (NMD candidate); plus strand). Cytogenetic location: 20q13.33.
Variant type: single nucleotide variant.
Coding change: c.50C>T on transcript NM_001283009.2 (MANE Select); coding-DNA position 50, C replaced by T.
Protein change: p.Pro17Leu; replaces proline 17 with leucine.
Molecular consequence: missense variant. On other transcripts: non-coding transcript variant (1), intron variant (1).
Genome position (GRCh38, 1-based): chr20:63,659,452, C>T. VCF-style: chr20-63659452-C-T. GRCh37 (hg19) VCF-style: chr20-62290805-C-T.
Other names: c.50C>T, p.Pro17Leu (NM_016434.4, NM_032957.5); c.-568+993C>T (NM_001283010.1); short protein forms P17L.
Identifiers: ClinVar variation 4157647 (VCV004157647.1).

ClinVar aggregate classification (germline): Uncertain significance (1 of 4 stars; one submission).

Conditions:
Inborn genetic diseases. Identifiers: MedGen C0950123, MeSH D030342.

Submission:

Ambry Genetics
Classification: Uncertain significance for Inborn genetic diseases. Last evaluated: 2025-08-09. Review status: criteria provided, single submitter. Criteria: Ambry Variant Classification Scheme 2023. Collection method: clinical testing. Allele origin: germline.
Comment: The p.P17L variant (also known as c.50C>T), located in coding exon 1 of the RTEL1 gene, results from a C to T substitution at nucleotide position 50. The proline at codon 17 is replaced by leucine, an amino acid with similar properties. This amino acid position is conserved. In addition, this alteration is predicted to be deleterious by in silico analysis. Based on the available evidence, the clinical significance of this variant remains unclear.